The following is an entry in ClinVar:

ClinVar aggregate classification (germline): Uncertain significance (1 of 4 stars; one submission).

Conditions:
Inborn genetic diseases. Identifiers: MedGen C0950123, MeSH D030342.

Submission:

Ambry Genetics
Classification: Uncertain significance for Inborn genetic diseases. Last evaluated: 2025-11-30. Review status: criteria provided, single submitter. Criteria: Ambry Variant Classification Scheme 2023. Collection method: clinical testing. Allele origin: germline.
Comment: The p.I576T variant (also known as c.1727T>C), located in coding exon 16 of the DDX41 gene, results from a T to C substitution at nucleotide position 1727. The isoleucine at codon 576 is replaced by threonine, an amino acid with similar properties. This amino acid position is conserved. In addition, the in silico prediction for this alteration is inconclusive. Based on the available evidence, the clinical significance of this variant remains unclear.

NM_016222.4(DDX41):c.1727T>C (p.Ile576Thr)

Gene: DDX41 (DEAD-box helicase 41; minus strand). Cytogenetic location: 5q35.3.
Variant type: single nucleotide variant.
Coding change: c.1727T>C on transcript NM_016222.4 (MANE Select); coding-DNA position 1727, T replaced by C.
Protein change: p.Ile576Thr; replaces isoleucine 576 with threonine.
Molecular consequence: missense variant.
Genome position (GRCh38, 1-based): chr5:177,512,101, A>G on the plus strand (T>C on the coding strand, the complement: DDX41 is on the minus strand). VCF-style: chr5-177512101-A-G. GRCh37 (hg19) VCF-style: chr5-176939102-A-G.
Other names: c.1349T>C, p.Ile450Thr (NM_001321732.2, NM_001321830.2); short protein forms I450T, I576T.
Identifiers: ClinVar variation 4617215 (VCV004617215.1).
Genomic context (GRCh38, chr5:177,512,101, plus strand): 5'-CACCCCTCCTTGCCACCTGCCGGCTGGGGACTCGGGGATCCCGCTCTGCAGTCACCTCCA[A>G]TGTCCAGCATGGACTCATCCCCGCAATGCAGCACCTGCAGCACGGGCGGCACCTTCTGCT-3'
Protein context (NP_057306.2, residues 566-586): LHCGDESMLD[Ile576Thr]GGERGCAFCG